The following is an entry in ClinVar:

NM_000088.4(COL1A1):c.3168del (p.Val1057fs)

Gene: COL1A1 (collagen type I alpha 1 chain; minus strand). Cytogenetic location: 17q21.33.
Variant type: Deletion.
Coding change: c.3168del on transcript NM_000088.4 (MANE Select); coding-DNA position 3168, one base deleted (C; older notation c.3168delC).
Protein change: p.Val1057fs; shifts the reading frame from valine 1057.
Molecular consequence: frameshift variant.
Genome position (GRCh38, 1-based): chr17:50,188,569, G deleted on the plus strand (C on the coding strand, the reverse complement: COL1A1 is on the minus strand); the first of 4 consecutive G bases (chr17:50,188,569-50,188,572); deleting any one gives the same sequence. VCF-style (leftmost placement, unchanged base first): chr17-50188568-CG-C. GRCh37 (hg19) VCF-style: chr17-48265929-CG-C.
Other names: c.3168delC (NM_000088.3); short protein forms V1057fs.
Identifiers: ClinVar variation 523322 (VCV000523322.4), dbSNP rs1555572254, ClinGen allele CA658798889.

ClinVar aggregate classification (germline): Pathogenic. Review status: criteria provided, multiple submitters, no conflicts (2 of 4 stars). 2 submissions from 2 submitters: Pathogenic (2). Last evaluated 2024-09-26.

Conditions:
Osteogenesis imperfecta type I (OI1). Also called: Classic Non-deforming Osteogenesis Imperfecta with Blue Sclerae; OI, TYPE I; OSTEOGENESIS IMPERFECTA TARDA; OSTEOGENESIS IMPERFECTA WITH BLUE SCLERAE; Osteogenesis imperfecta type 1; Lobstein disease. Identifiers: Orphanet 216796, Orphanet 666, MedGen C0023931, MONDO:0008146, OMIM 166200. Disease mechanism: loss of function.
Reduced bone mineral density. Identifiers: MedGen C2674432, HP:0004349.
Joint hypermobility. Also called: Joint hyperflexibility. Identifiers: MedGen C1862377, HP:0001382.

Submissions (2):

Labcorp Genetics (formerly Invitae), Labcorp
Classification: Pathogenic for Osteogenesis imperfecta type I. Last evaluated: 2024-09-26. Review status: criteria provided, single submitter. Criteria: Invitae Variant Classification Sherloc (09022015). Collection method: clinical testing. Allele origin: germline.
Comment: This sequence change creates a premature translational stop signal (p.Val1057Leufs*51) in the COL1A1 gene. It is expected to result in an absent or disrupted protein product. Loss-of-function variants in COL1A1 are known to be pathogenic (PMID: 7942841, 9295084, 9443882). This variant is not present in population databases (gnomAD no frequency). This variant has not been reported in the literature in individuals affected with COL1A1-related conditions. ClinVar contains an entry for this variant (Variation ID: 523322). For these reasons, this variant has been classified as Pathogenic.

Centre for Mendelian Genomics, University Medical Centre Ljubljana
Classification: Pathogenic for Joint hypermobility; Reduced bone mineral density. Last evaluated: 2017-01-01. Review status: criteria provided, single submitter. Criteria: ACMG Guidelines, 2015. Collection method: clinical testing. Allele origin: unknown. Affected: yes.

Literature cited by the submitters: PubMed 7942841 (cited by Labcorp Genetics (formerly Invitae), Labcorp); PubMed 9295084 (cited by Labcorp Genetics (formerly Invitae), Labcorp); PubMed 9443882 (cited by Labcorp Genetics (formerly Invitae), Labcorp).